The following is an entry in ClinVar:

ClinVar aggregate classification (germline): Benign. Review status: criteria provided, multiple submitters, no conflicts (2 of 4 stars). 2 submissions from 2 submitters: Benign (2). Last evaluated 2018-01-13.

Conditions:
Leukodystrophy, hypomyelinating, 7, with or without oligodontia and/or hypogonadotropic hypogonadism (HLD7). Also called: LEUKOENCEPHALOPATHY, HYPOMYELINATING, WITH ATAXIA AND DELAYED DENTITION; ATAXIA, DELAYED DENTITION, AND HYPOMYELINATION; LEUKODYSTROPHY, HYPOMYELINATING, 7, WITH OLIGODONTIA; LEUKODYSTROPHY, HYPOMYELINATING, 7, WITH OLIGODONTIA AND HYPOGONADOTROPIC HYPOGONADISM; LEUKODYSTROPHY, HYPOMYELINATING, 7, WITHOUT OLIGODONTIA OR HYPOGONADOTROPIC HYPOGONADISM; Ataxia, Delayed Dentition and Hypomyelination (ADDH). Identifiers: Orphanet 137639, Orphanet 447893, Orphanet 447896, Orphanet 77295, Orphanet 88637, MedGen CN034185, MONDO:0011897, OMIM 607694.

Allele frequency attached by ClinVar (database versions not stated): gnomAD 0.19800 and 0.20479; TOPMed 0.20861; 1000 Genomes Project 30x 0.27077; 1000 Genomes Project 0.27456.

Submissions (2):

Illumina Laboratory Services, Illumina
Classification: Benign for Leukodystrophy, hypomyelinating, 7, with or without oligodontia and/or hypogonadotropic hypogonadism. Last evaluated: 2018-01-13. Review status: criteria provided, single submitter. Criteria: ICSL Variant Classification Criteria 13 December 2019. Collection method: clinical testing. Allele origin: germline.
Comment: This variant was observed in the ICSL laboratory as part of a predisposition screen in an ostensibly healthy population. It had not been previously curated by ICSL or reported in the Human Gene Mutation Database (HGMD: prior to June 1st, 2018), and was therefore a candidate for classification through an automated scoring system. Utilizing variant allele frequency, disease prevalence and penetrance estimates, and inheritance mode, an automated score was calculated to assess if this variant is too frequent to cause the disease. Based on the score and internal cut-off values, a variant classified as benign is not then subjected to further curation. The score for this variant resulted in a classification of benign for this disease.

Breakthrough Genomics
Classification: Benign. Review status: criteria provided, single submitter. Criteria: ACMG Guidelines, 2015. Collection method: not provided. Allele origin: germline. Inheritance: Autosomal recessive inheritance. Affected: yes.

NM_007055.4(POLR3A):c.*1323C>T

Gene: POLR3A (RNA polymerase III subunit A; minus strand). Cytogenetic location: 10q22.3.
Variant type: single nucleotide variant.
Coding change: c.*1323C>T on transcript NM_007055.4 (MANE Select); 1323 bases downstream of the stop codon, C replaced by T.
Molecular consequence: 3 prime UTR variant.
Genome position (GRCh38, 1-based): chr10:77,976,155, G>A on the plus strand (C>T on the coding strand, the complement: POLR3A is on the minus strand). VCF-style: chr10-77976155-G-A. GRCh37 (hg19) VCF-style: chr10-79735913-G-A.
Identifiers: ClinVar variation 301009 (VCV000301009.6), dbSNP rs45570840, ClinGen allele CA10636057.
Genomic context (GRCh38, chr10:77,976,155, plus strand): 5'-TTTTTATAAAAACTAATTTTTTTTTACGCTTAATTTTTTTCTTTTTTTTTTTTGAGACAA[G>A]GTCTTGCTTTGTTGCCCAGGCTGGAGTGTAGTGGCACGATCTTGGCTCACTACAACCTCC-3'